The following is an entry in ClinVar:

ClinVar aggregate classification (germline): Uncertain significance (1 of 4 stars; one submission).

Allele frequency attached by ClinVar (database versions not stated): gnomAD exomes below 0.00001; TOPMed below 0.00001.
gnomAD v4.1: 3 of 1,315,548 alleles (0.00023%); highest among the groups gnomAD compares: Admixed American, 0.0067%; no homozygotes.

Submission:

Labcorp Genetics (formerly Invitae), Labcorp
Classification: Uncertain significance. Last evaluated: 2023-07-22. Review status: criteria provided, single submitter. Criteria: Invitae Variant Classification Sherloc (09022015). Collection method: clinical testing. Allele origin: germline.
Comment: This variant has not been reported in the literature in individuals affected with ERCC6L2-related conditions. In summary, the available evidence is currently insufficient to determine the role of this variant in disease. Therefore, it has been classified as a Variant of Uncertain Significance. Experimental studies and prediction algorithms are not available or were not evaluated, and the functional significance of this variant is currently unknown. This variant is present in population databases (no rsID available, gnomAD 0.008%). This sequence change replaces leucine, which is neutral and non-polar, with phenylalanine, which is neutral and non-polar, at codon 1202 of the ERCC6L2 protein (p.Leu1202Phe).

NM_020207.7(ERCC6L2):c.3571C>T (p.Leu1191Phe)

Gene: ERCC6L2 (ERCC excision repair 6 like 2; plus strand). Cytogenetic location: 9q22.32.
Variant type: single nucleotide variant.
Coding change: c.3571C>T on transcript NM_020207.7 (MANE Select); coding-DNA position 3571, C replaced by T.
Protein change: p.Leu1191Phe; replaces leucine 1191 with phenylalanine.
Molecular consequence: missense variant. On other transcripts: non-coding transcript variant (1).
Genome position (GRCh38, 1-based): chr9:96,004,598, C>T. VCF-style: chr9-96004598-C-T. GRCh37 (hg19) VCF-style: chr9-98766880-C-T.
Other names: c.3571C>T, p.Leu1191Phe (NM_001375291.1, NM_001375292.1); short protein forms L1191F.
Identifiers: ClinVar variation 3007450 (VCV003007450.3), dbSNP rs1384608116, ClinGen allele CA466116493.
Genomic context (GRCh38, chr9:96,004,598, plus strand): 5'-GATGCAGATACATTGCCACACACAAAGAAAGGCCAGCAACCGAGTGAAGGCAGCATTTCA[C>T]TTCCTCTTTACATTTCAAATCCTGTAAACCAGAAGAAGAAAAAAGTCTACCATACAAACC-3'
Protein context (NP_064592.3, residues 1181-1201): GQQPSEGSIS[Leu1191Phe]PLYISNPVNQ